The following is an entry in ClinVar:

NM_003776.4(MRPL40):c.346C>G (p.Leu116Val)

Gene: MRPL40 (mitochondrial ribosomal protein L40; plus strand). Cytogenetic location: 22q11.21.
Variant type: single nucleotide variant.
Coding change: c.346C>G on transcript NM_003776.4 (MANE Select); coding-DNA position 346, C replaced by G.
Protein change: p.Leu116Val; replaces leucine 116 with valine.
Molecular consequence: missense variant.
Genome position (GRCh38, 1-based): chr22:19,435,687, C>G. VCF-style: chr22-19435687-C-G. GRCh37 (hg19) VCF-style: chr22-19423210-C-G.
Other names: c.214C>G, p.Leu72Val (NM_001318151.2); c.346C>G (NM_003776.2); short protein forms L116V, L72V.
Identifiers: ClinVar variation 2848184 (VCV002848184.4), dbSNP rs112137683, ClinGen allele CA10100205.

ClinVar aggregate classification (germline): Uncertain significance. Review status: criteria provided, multiple submitters, no conflicts (2 of 4 stars). 2 submissions from 2 submitters: Uncertain significance (2). Last evaluated 2025-06-13.

Allele frequency attached by ClinVar (database versions not stated): gnomAD 0.00025; ExAC 0.00008; TOPMed 0.00027; ESP Exome Variant Server 0.00038; 1000 Genomes Project 0.00040; gnomAD exomes 0.00004; 1000 Genomes Project 30x 0.00031.

Submissions (2):

Labcorp Genetics (formerly Invitae), Labcorp
Classification: Uncertain significance. Last evaluated: 2025-06-13. Review status: criteria provided, single submitter. Criteria: Invitae Variant Classification Sherloc (09022015). Collection method: clinical testing. Allele origin: germline.
Comment: This sequence change replaces leucine, which is neutral and non-polar, with valine, which is neutral and non-polar, at codon 116 of the MRPL40 protein (p.Leu116Val). This variant is present in population databases (rs112137683, gnomAD 0.09%), and has an allele count higher than expected for a pathogenic variant. This variant has not been reported in the literature in individuals affected with MRPL40-related conditions. ClinVar contains an entry for this variant (Variation ID: 2848184). An algorithm developed to predict the effect of missense changes on protein structure and function (PolyPhen-2) suggests that this variant is likely to be tolerated. In summary, the available evidence is currently insufficient to determine the role of this variant in disease. Therefore, it has been classified as a Variant of Uncertain Significance.

Ambry Genetics
Classification: Uncertain significance. Last evaluated: 2024-12-30. Review status: criteria provided, single submitter. Criteria: Ambry Variant Classification Scheme 2023. Collection method: clinical testing. Allele origin: germline.